The following is an entry in ClinVar:

ClinVar aggregate classification (germline): Uncertain significance (1 of 4 stars; one submission).

Conditions:
Inborn genetic diseases. Identifiers: MedGen C0950123, MeSH D030342.

Submission:

Ambry Genetics
Classification: Uncertain significance for Inborn genetic diseases. Last evaluated: 2025-06-20. Review status: criteria provided, single submitter. Criteria: Ambry Variant Classification Scheme 2023. Collection method: clinical testing. Allele origin: germline.
Comment: The p.E24K variant (also known as c.70G>A), located in coding exon 1 of the FANCA gene, results from a G to A substitution at nucleotide position 70. The glutamic acid at codon 24 is replaced by lysine, an amino acid with similar properties. This amino acid position is conserved. In addition, the in silico prediction for this alteration is inconclusive. Based on the available evidence, the clinical significance of this variant remains unclear.

NM_000135.4(FANCA):c.70G>A (p.Glu24Lys)

Genes: FANCA (FA complementation group A; minus strand), LOC112486223 (Sharpr-MPRA regulatory region 3988; plus strand). Cytogenetic location: 16q24.3.
Variant type: single nucleotide variant.
Coding change: c.70G>A on transcript NM_000135.4 (MANE Select); coding-DNA position 70, G replaced by A.
Protein change: p.Glu24Lys; replaces glutamic acid 24 with lysine.
Molecular consequence: missense variant.
Genome position (GRCh38, 1-based): chr16:89,816,546, C>T on the plus strand (G>A on the coding strand, the complement: FANCA is on the minus strand). VCF-style: chr16-89816546-C-T. GRCh37 (hg19) VCF-style: chr16-89882954-C-T.
Other names: c.70G>A, p.Glu24Lys (NM_001018112.3, NM_001286167.3, NM_001351830.2); short protein forms E24K.
Identifiers: ClinVar variation 4254136 (VCV004254136.1).